The following is an entry in ClinVar:

ClinVar aggregate classification (germline): Uncertain significance (1 of 4 stars; one submission).

Conditions:
Psoriasis 2. Identifiers: MedGen C1864497, MONDO:0011269, OMIM 602723.
Pityriasis rubra pilaris (PRP). Also called: Pityriasis rubra pilaris--familial type. Identifiers: Orphanet 2897, MedGen C0032027, MONDO:0100017, OMIM 173200, MONDO:0008251.

Allele frequency attached by ClinVar (database versions not stated): TOPMed below 0.00001; gnomAD 0.00001.
gnomAD v4.1: 1 of 1,610,180 alleles (0.000062%); highest among the groups gnomAD compares: Admixed American, 0.0017%; no homozygotes.

Submission:

Labcorp Genetics (formerly Invitae), Labcorp
Classification: Uncertain significance for Pityriasis rubra pilaris; Psoriasis 2. Last evaluated: 2025-08-07. Review status: criteria provided, single submitter. Criteria: Invitae Variant Classification Sherloc (09022015). Collection method: clinical testing. Allele origin: germline.
Comment: This sequence change replaces glutamic acid, which is acidic and polar, with glycine, which is neutral and non-polar, at codon 245 of the CARD14 protein (p.Glu245Gly). This variant is not present in population databases (gnomAD no frequency). This variant has not been reported in the literature in individuals affected with CARD14-related conditions. ClinVar contains an entry for this variant (Variation ID: 1443789). Invitae Evidence Modeling of protein sequence and biophysical properties (such as structural, functional, and spatial information, amino acid conservation, physicochemical variation, residue mobility, and thermodynamic stability) indicates that this missense variant is not expected to disrupt CARD14 protein function with a negative predictive value of 95%. In summary, the available evidence is currently insufficient to determine the role of this variant in disease. Therefore, it has been classified as a Variant of Uncertain Significance.

NM_001366385.1(CARD14):c.734A>G (p.Glu245Gly)

Gene: CARD14 (caspase recruitment domain family member 14; plus strand). Cytogenetic location: 17q25.3.
Variant type: single nucleotide variant.
Coding change: c.734A>G on transcript NM_001366385.1 (MANE Select); coding-DNA position 734, A replaced by G.
Protein change: p.Glu245Gly; replaces glutamic acid 245 with glycine.
Molecular consequence: missense variant. On other transcripts: non-coding transcript variant (1).
Genome position (GRCh38, 1-based): chr17:80,188,435, A>G. VCF-style: chr17-80188435-A-G. GRCh37 (hg19) VCF-style: chr17-78162234-A-G.
Other names: c.734A>G, p.Glu245Gly (NM_001257970.1, NM_024110.4); c.23A>G, p.Glu8Gly (NM_052819.3); short protein forms E8G, E245G.
Identifiers: ClinVar variation 1443789 (VCV001443789.8), dbSNP rs2040414785, ClinGen allele CA401341089.